The following is an entry in ClinVar:

ClinVar aggregate classification (germline): Uncertain significance (1 of 4 stars; one submission).

Submission:

Labcorp Genetics (formerly Invitae), Labcorp
Classification: Uncertain significance. Last evaluated: 2021-08-31. Review status: criteria provided, single submitter. Criteria: Invitae Variant Classification Sherloc (09022015). Collection method: clinical testing. Allele origin: germline.
Comment: This sequence change replaces leucine with methionine at codon 381 of the HJV protein (p.Leu381Met). The leucine residue is highly conserved and there is a small physicochemical difference between leucine and methionine. This variant is not present in population databases (ExAC no frequency). This variant has not been reported in the literature in individuals affected with HJV-related conditions. Algorithms developed to predict the effect of missense changes on protein structure and function are either unavailable or do not agree on the potential impact of this missense change (SIFT: "Tolerated"; PolyPhen-2: "Probably Damaging"; Align-GVGD: "Class C0"). In summary, the available evidence is currently insufficient to determine the role of this variant in disease. Therefore, it has been classified as a Variant of Uncertain Significance.

NM_213653.4(HJV):c.1141C>A (p.Leu381Met)

Gene: HJV (hemojuvelin BMP co-receptor; minus strand). Cytogenetic location: 1q21.1.
Variant type: single nucleotide variant.
Coding change: c.1141C>A on transcript NM_213653.4 (MANE Select); coding-DNA position 1141, C replaced by A.
Protein change: p.Leu381Met; replaces leucine 381 with methionine.
Molecular consequence: missense variant.
Genome position (GRCh38, 1-based): chr1:146,018,217, G>T on the plus strand (C>A on the coding strand, the complement: HJV is on the minus strand). VCF-style: chr1-146018217-G-T. GRCh37 (hg19) VCF-style: chr1-145416796-C-A.
Other names: c.463C>A, p.Leu155Met (NM_001316767.2, NM_202004.4, NM_213652.4); c.1141C>A, p.Leu381Met (NM_001379352.1); c.802C>A, p.Leu268Met (NM_145277.5); short protein forms L155M, L268M, L381M.
Identifiers: ClinVar variation 1020892 (VCV001020892.2), dbSNP rs1652453633, ClinGen allele CA342132495.
Genomic context (GRCh38, chr1:146,018,217, plus strand): 5'-CATCTGAGGGGAAGAGATGCAGCTTCTCTAAGTCTGGCAGGAAGGCTCGGGCATCCTCCA[G>T]TGCTGCCTGAGCTGCCACGGTAAAGTTGGGATCACCAGAAATTAAAACATCAAAGACACA-3'
Protein context (NP_998818.1, residues 371-391): PNFTVAAQAA[Leu381Met]EDARAFLPDL